The following is an entry in ClinVar:

ClinVar aggregate classification (germline): Uncertain significance (1 of 4 stars; one submission).

Conditions:
NRP1-related disorder. Also called: NRP1-related condition.

gnomAD v4.1: 18 of 1,613,540 alleles (0.0011%); highest among the groups gnomAD compares: African/African-American, 0.004%; no homozygotes.

Submission:

PreventionGenetics, part of Exact Sciences
Classification: Uncertain significance for NRP1-related condition. Last evaluated: 2025-08-06. Review status: criteria provided, single submitter. Criteria: ACMG Guidelines, 2015. Collection method: clinical testing. Allele origin: germline.
Comment: The NRP1 c.2039C>T variant is predicted to result in the amino acid substitution p.Thr680Met. To our knowledge, this variant has not been reported in the literature. This variant is reported in 0.012% of alleles in individuals of African descent in gnomAD. At this time, the clinical significance of this variant is uncertain due to the absence of conclusive functional and genetic evidence.

NM_003873.7(NRP1):c.2039C>T (p.Thr680Met)

Gene: NRP1 (neuropilin 1; minus strand). Cytogenetic location: 10p11.22.
Variant type: single nucleotide variant.
Coding change: c.2039C>T on transcript NM_003873.7 (MANE Select); coding-DNA position 2039, C replaced by T.
Protein change: p.Thr680Met; replaces threonine 680 with methionine.
Molecular consequence: missense variant. On other transcripts: non-coding transcript variant (1).
Genome position (GRCh38, 1-based): chr10:33,192,304, G>A on the plus strand (C>T on the coding strand, the complement: NRP1 is on the minus strand). VCF-style: chr10-33192304-G-A. GRCh37 (hg19) VCF-style: chr10-33481232-G-A.
Other names: c.2018C>T, p.Thr673Met (NM_001244972.2, NM_001244973.2); c.2039C>T, p.Thr680Met (NM_001330068.2); short protein forms T673M, T680M.
Identifiers: ClinVar variation 3353577 (VCV003353577.2).
Genomic context (GRCh38, chr10:33,192,304, plus strand): 5'-CTGCAAAGCCATGCAGCCGAAGTGAACTCTGTGATACCTGTGTGATCCTGAATGGGTCCC[G>A]TCTTGCTGGTCAACACACTCCACTTGAGCTGCACGTGATTGTCATGTTCCCAGTGGCAGA-3'
Protein context (NP_003864.5, residues 670-690): QLKWSVLTSK[Thr680Met]GPIQDHTGDG